The following is an entry in ClinVar:

NM_032121.5(MAGT1):c.35C>G (p.Ser12Ter)

Gene: MAGT1 (magnesium transporter 1; minus strand). Cytogenetic location: Xq21.1.
Variant type: single nucleotide variant.
Coding change: c.35C>G on transcript NM_032121.5; coding-DNA position 35, C replaced by G.
Protein change: p.Ser12Ter; replaces serine 12 with a stop codon.
Molecular consequence: nonsense.
Genome position (GRCh38, 1-based): chrX:77,895,472, G>C on the plus strand (C>G on the coding strand, the complement: MAGT1 is on the minus strand). VCF-style: chrX-77895472-G-C. GRCh37 (hg19) VCF-style: chrX-77150969-G-C.
Other names: short protein forms S12*.
Identifiers: ClinVar variation 4720773 (VCV004720773.1).
Genomic context (GRCh38, chrX:77,895,472, plus strand): 5'-TTCGCTCCTCTCCCTTCTATAAGTGAAACTTTGCTCCGGCTAGGTCTGAGGGTGGGGCGT[G>C]AGAACAGGCAAATCGGCCCCTTGCCTTTCCTCATTGGTCCAGCTCAGCCCTGCCGGGAGA-3'

ClinVar aggregate classification (germline): Uncertain significance (1 of 4 stars; one submission).

Conditions:
X-linked immunodeficiency with magnesium defect, Epstein-Barr virus infection and neoplasia. Identifiers: Orphanet 317476, MedGen C3275445, MONDO:0010455, OMIM 300853.

Submission:

Labcorp Genetics (formerly Invitae), Labcorp
Classification: Uncertain significance for X-linked immunodeficiency with magnesium defect, Epstein-Barr virus infection and neoplasia. Last evaluated: 2025-06-04. Review status: criteria provided, single submitter. Criteria: Invitae Variant Classification Sherloc (09022015). Collection method: clinical testing. Allele origin: germline.
Comment: This sequence change creates a premature translational stop signal (p.Ser12*) in the MAGT1 gene. However, it is currently unclear if variants that occur in this region of the gene cause disease. This variant is not present in population databases (gnomAD no frequency). This variant has not been reported in the literature in individuals affected with MAGT1-related conditions. Experimental studies and prediction algorithms are not available or were not evaluated, and the functional significance of this variant is currently unknown. In summary, the available evidence is currently insufficient to determine the role of this variant in disease. Therefore, it has been classified as a Variant of Uncertain Significance.